The following is an entry in ClinVar:

NM_015231.3(NUP160):c.216G>T (p.Lys72Asn)

Gene: NUP160 (nucleoporin 160; minus strand). Cytogenetic location: 11p11.2.
Variant type: single nucleotide variant.
Coding change: c.216G>T on transcript NM_015231.3 (MANE Select); coding-DNA position 216, G replaced by T.
Protein change: p.Lys72Asn; replaces lysine 72 with asparagine.
Molecular consequence: missense variant. On other transcripts: non-coding transcript variant (1).
Genome position (GRCh38, 1-based): chr11:47,840,585, C>A on the plus strand (G>T on the coding strand, the complement: NUP160 is on the minus strand). VCF-style: chr11-47840585-C-A. GRCh37 (hg19) VCF-style: chr11-47862137-C-A.
Other names: c.318G>T, p.Lys106Asn (NM_001318399.1); short protein forms K106N, K72N.
Identifiers: ClinVar variation 1480997 (VCV001480997.8), dbSNP rs762190949, ClinGen allele CA5981657.

ClinVar aggregate classification (germline): Uncertain significance (1 of 4 stars; one submission).

Allele frequency attached by ClinVar (database versions not stated): gnomAD exomes 0.00005 and 0.00001; TOPMed 0.00002; ExAC 0.00005.
gnomAD v4.1: 10 of 1,579,846 alleles (0.00063%); highest among the groups gnomAD compares: East Asian, 0.018%; no homozygotes.

Submission:

Labcorp Genetics (formerly Invitae), Labcorp
Classification: Uncertain significance. Last evaluated: 2025-07-21. Review status: criteria provided, single submitter. Criteria: Invitae Variant Classification Sherloc (09022015). Collection method: clinical testing. Allele origin: germline.
Comment: This sequence change replaces lysine with asparagine at codon 106 of the NUP160 protein (p.Lys106Asn). The lysine residue is weakly conserved and there is a moderate physicochemical difference between lysine and asparagine. This variant is present in population databases (rs762190949, gnomAD 0.07%). This variant has not been reported in the literature in individuals affected with NUP160-related conditions. ClinVar contains an entry for this variant (Variation ID: 1480997). An algorithm developed to predict the effect of missense changes on protein structure and function (PolyPhen-2) suggests that this variant is likely to be tolerated. In summary, the available evidence is currently insufficient to determine the role of this variant in disease. Therefore, it has been classified as a Variant of Uncertain Significance.